The following is an entry in ClinVar:

NM_173598.6(KSR2):c.1501dup (p.Thr501fs)

Gene: KSR2 (kinase suppressor of ras 2; minus strand). Cytogenetic location: 12q24.22.
Variant type: Duplication.
Coding change: c.1501dup on transcript NM_173598.6 (MANE Select); coding-DNA position 1501, one base duplicated (A; older notation c.1501dupA).
Protein change: p.Thr501fs; shifts the reading frame from threonine 501.
Molecular consequence: frameshift variant.
Genome position (GRCh38, 1-based): chr12:117,555,186, T duplicated on the plus strand (A on the coding strand, the reverse complement: KSR2 is on the minus strand); the first of 4 consecutive T bases (chr12:117,555,186-117,555,189); duplicating any one gives the same sequence. VCF-style (leftmost placement, unchanged base first): chr12-117555185-G-GT. GRCh37 (hg19) VCF-style: chr12-117992990-G-GT.
Other names: short protein forms T501fs.
Identifiers: ClinVar variation 3356803 (VCV003356803.1).
Genomic context (GRCh38, chr12:117,555,185, plus strand): 5'-GTGCCAGCCCCACATGCCGAGACCCAGGGGAAGCCCAGCCTTACCTTGTTGATTTTGTTG[G>GT]TTTTGGGGAGCGTCTGACTGATGTGCAGGTCTGAATAGCGAGGTGGCTTCCGTAGAGGGT-3'

ClinVar aggregate classification (germline): Uncertain significance (0 of 4 stars; one submission).

Conditions:
KSR2-related disorder. Also called: KSR2-related condition.

Submission:

PreventionGenetics, part of Exact Sciences
Classification: Uncertain significance for KSR2-related condition. Last evaluated: 2024-05-16. Review status: no assertion criteria provided. Collection method: clinical testing. Allele origin: germline.
Comment: The KSR2 c.1414dupA variant is predicted to result in a frameshift and premature protein termination (p.Thr472Asnfs*39). To our knowledge, this variant has not been reported in the literature or in a large population database, indicating this variant is rare. Although we suspect that this variant may be pathogenic, at this time, the clinical significance of this variant is uncertain due to the absence of conclusive functional and genetic evidence.